The following is an entry in ClinVar:

NM_017617.5(NOTCH1):c.1476C>A (p.Asp492Glu)

Gene: NOTCH1 (notch receptor 1; minus strand). Cytogenetic location: 9q34.3.
Variant type: single nucleotide variant.
Coding change: c.1476C>A on transcript NM_017617.5 (MANE Select); coding-DNA position 1476, C replaced by A.
Protein change: p.Asp492Glu; replaces aspartic acid 492 with glutamic acid.
Molecular consequence: missense variant.
Genome position (GRCh38, 1-based): chr9:136,517,351, G>T on the plus strand (C>A on the coding strand, the complement: NOTCH1 is on the minus strand). VCF-style: chr9-136517351-G-T. GRCh37 (hg19) VCF-style: chr9-139411803-G-T.
Other names: short protein forms D492E.
Identifiers: ClinVar variation 4736704 (VCV004736704.1).
Genomic context (GRCh38, chr9:136,517,351, plus strand): 5'-GAACTCATTGATCTTGTCCAGGCAGCGGCCATTGTGCAGGCAGGGGCTGCTGGCACACTC[G>T]TCTGTGTTGACCTCGCAGTGCACACCCTCGTAGCCTGTGGGGTGGGGCAACAGTGAGGGG-3'
Protein context (NP_060087.3, residues 482-502): YEGVHCEVNT[Asp492Glu]ECASSPCLHN

ClinVar aggregate classification (germline): Uncertain significance (1 of 4 stars; one submission).

Conditions:
Adams-Oliver syndrome 5 (AOS5). Identifiers: Orphanet 974, MedGen C4014970, MONDO:0014459, OMIM 616028.

Submission:

Labcorp Genetics (formerly Invitae), Labcorp
Classification: Uncertain significance for Adams-Oliver syndrome 5. Last evaluated: 2025-06-20. Review status: criteria provided, single submitter. Criteria: Invitae Variant Classification Sherloc (09022015). Collection method: clinical testing. Allele origin: germline.
Comment: This sequence change replaces aspartic acid, which is acidic and polar, with glutamic acid, which is acidic and polar, at codon 492 of the NOTCH1 protein (p.Asp492Glu). This variant is not present in population databases (gnomAD no frequency). This variant has not been reported in the literature in individuals affected with NOTCH1-related conditions. Invitae Evidence Modeling of protein sequence and biophysical properties (such as structural, functional, and spatial information, amino acid conservation, physicochemical variation, residue mobility, and thermodynamic stability) indicates that this missense variant is not expected to disrupt NOTCH1 protein function with a negative predictive value of 95%. In summary, the available evidence is currently insufficient to determine the role of this variant in disease. Therefore, it has been classified as a Variant of Uncertain Significance.